The following is an entry in ClinVar:

NM_000038.6(APC):c.4057G>A (p.Glu1353Lys)

Gene: APC (APC regulator of Wnt signaling pathway; plus strand). Cytogenetic location: 5q22.2.
Variant type: single nucleotide variant.
Coding change: c.4057G>A on transcript NM_000038.6 (MANE Select); coding-DNA position 4057, G replaced by A.
Protein change: p.Glu1353Lys; replaces glutamic acid 1353 with lysine.
Molecular consequence: missense variant.
Genome position (GRCh38, 1-based): chr5:112,839,651, G>A. VCF-style: chr5-112839651-G-A. GRCh37 (hg19) VCF-style: chr5-112175348-G-A.
Other names: c.4057G>A, p.Glu1353Lys (NM_001127510.3, NM_001354895.2); c.4003G>A, p.Glu1335Lys (NM_001127511.3); c.4111G>A, p.Glu1371Lys (NM_001354896.2); c.4087G>A, p.Glu1363Lys (NM_001354897.2); c.3982G>A, p.Glu1328Lys (NM_001354898.2); c.3973G>A, p.Glu1325Lys (NM_001354899.2); c.3934G>A, p.Glu1312Lys (NM_001354900.2); c.3880G>A, p.Glu1294Lys (NM_001354901.2); and 5 more; short protein forms E1294K, E1312K, E1325K, E1328K, E1335K, E1363K, E1193K, E1252K.
Identifiers: ClinVar variation 946473 (VCV000946473.11), dbSNP rs1114167568, ClinGen allele CA16030220.

ClinVar aggregate classification (germline): Uncertain significance (1 of 4 stars; one submission).

Conditions:
Familial adenomatous polyposis 1 (FAP1). Also called: FAMILIAL ADENOMATOUS POLYPOSIS 1, ATTENUATED; POLYPOSIS, ADENOMATOUS INTESTINAL. Identifiers: MedGen C2713442, MONDO:0021056, OMIM 175100. Disease mechanism: loss of function.

Submission:

Labcorp Genetics (formerly Invitae), Labcorp
Classification: Uncertain significance for Familial adenomatous polyposis 1. Last evaluated: 2019-07-12. Review status: criteria provided, single submitter. Criteria: Invitae Variant Classification Sherloc (09022015). Collection method: clinical testing. Allele origin: germline.
Comment: This variant has not been reported in the literature in individuals with APC-related conditions. This variant is not present in population databases (ExAC no frequency). This sequence change replaces glutamic acid with lysine at codon 1353 of the APC protein (p.Glu1353Lys). The glutamic acid residue is highly conserved and there is a small physicochemical difference between glutamic acid and lysine. In summary, the available evidence is currently insufficient to determine the role of this variant in disease. Therefore, it has been classified as a Variant of Uncertain Significance. Algorithms developed to predict the effect of missense changes on protein structure and function are either unavailable or do not agree on the potential impact of this missense change (SIFT: "Deleterious"; PolyPhen-2: "Probably Damaging"; Align-GVGD: "Class C0").